The following is an entry in ClinVar:

ClinVar aggregate classification (germline): Uncertain significance (1 of 4 stars; one submission).

Conditions:
ATRX-related disorder. Also called: ATRX-related condition.

Submission:

PreventionGenetics, part of Exact Sciences
Classification: Uncertain significance for ATRX-related condition. Last evaluated: 2025-01-07. Review status: criteria provided, single submitter. Criteria: ACMG Guidelines, 2015. Collection method: clinical testing. Allele origin: germline.
Comment: The ATRX c.161C>G variant is predicted to result in the amino acid substitution p.Ser54Cys. To our knowledge, this variant has not been reported in the literature or in a large population database (gnomAD), indicating this variant is rare. At this time, the clinical significance of this variant is uncertain due to the absence of conclusive functional and genetic evidence.

NM_000489.6(ATRX):c.161C>G (p.Ser54Cys)

Gene: ATRX (ATRX chromatin remodeler; minus strand). Cytogenetic location: Xq21.1.
Variant type: single nucleotide variant.
Coding change: c.161C>G on transcript NM_000489.6 (MANE Select); coding-DNA position 161, C replaced by G.
Protein change: p.Ser54Cys; replaces serine 54 with cysteine.
Molecular consequence: missense variant.
Genome position (GRCh38, 1-based): chrX:77,698,602, G>C on the plus strand (C>G on the coding strand, the complement: ATRX is on the minus strand). VCF-style: chrX-77698602-G-C. GRCh37 (hg19) VCF-style: chrX-76954090-G-C.
Other names: c.161C>G, p.Ser54Cys (NM_138270.5); short protein forms S54C.
Identifiers: ClinVar variation 4997666 (VCV004997666.1).